The following is an entry in ClinVar:

ClinVar aggregate classification (germline): Pathogenic (1 of 4 stars; one submission).

Conditions:
Fanconi anemia (FA). Also called: Fanconi's anemia. Identifiers: Orphanet 84, MedGen C0015625, MeSH D005199, MONDO:0019391.

Submission:

Labcorp Genetics (formerly Invitae), Labcorp
Classification: Pathogenic for Fanconi anemia. Last evaluated: 2021-03-12. Review status: criteria provided, single submitter. Criteria: Invitae Variant Classification Sherloc (09022015). Collection method: clinical testing. Allele origin: germline.
Comment: This sequence change creates a premature translational stop signal (p.Ala40Glyfs*24) in the FANCA gene. It is expected to result in an absent or disrupted protein product. Loss-of-function variants in FANCA are known to be pathogenic (PMID: 19367192). This variant is not present in population databases (ExAC no frequency). This variant has not been reported in the literature in individuals with FANCA-related conditions. For these reasons, this variant has been classified as Pathogenic.

Literature cited by the submitters: PubMed 19367192.

NM_000135.4(FANCA):c.118dup (p.Ala40fs)

Gene: FANCA (FA complementation group A; minus strand). Cytogenetic location: 16q24.3.
Variant type: Duplication.
Coding change: c.118dup on transcript NM_000135.4 (MANE Select); coding-DNA position 118, one base duplicated (G; older notation c.118dupG).
Protein change: p.Ala40fs; shifts the reading frame from alanine 40.
Molecular consequence: frameshift variant.
Genome position (GRCh38, 1-based): chr16:89,815,948, C duplicated on the plus strand (G on the coding strand, the reverse complement: FANCA is on the minus strand); the first of 3 consecutive C bases (chr16:89,815,948-89,815,950); duplicating any one gives the same sequence. VCF-style (leftmost placement, unchanged base first): chr16-89815947-G-GC. GRCh37 (hg19) VCF-style: chr16-89882355-G-GC.
Other names: c.118dup, p.Ala40fs (NM_001018112.3, NM_001286167.3, NM_001351830.2); short protein forms A40fs.
Identifiers: ClinVar variation 1427103 (VCV001427103.6), dbSNP rs2143724113, ClinGen allele CA2573152801.